The following is an entry in ClinVar:

NM_175634.3(RUNX1T1):c.915G>A (p.Met305Ile)

Gene: RUNX1T1 (RUNX1 partner transcriptional co-repressor 1; minus strand). Cytogenetic location: 8q21.3.
Variant type: single nucleotide variant.
Coding change: c.915G>A on transcript NM_175634.3 (MANE Select); coding-DNA position 915, G replaced by A.
Protein change: p.Met305Ile; replaces methionine 305 with isoleucine.
Molecular consequence: missense variant.
Genome position (GRCh38, 1-based): chr8:91,991,715, C>T on the plus strand (G>A on the coding strand, the complement: RUNX1T1 is on the minus strand). VCF-style: chr8-91991715-C-T. GRCh37 (hg19) VCF-style: chr8-93003943-C-T.
Other names: c.834G>A, p.Met278Ile (NM_001198625.2, NM_001198632.2, NM_004349.4); c.915G>A, p.Met305Ile (NM_001198626.2, NM_001198627.2, NM_001198628.2 and 3 more transcripts); c.855G>A, p.Met285Ile (NM_001198633.2); c.948G>A, p.Met316Ile (NM_001198634.2); c.1092G>A, p.Met364Ile (NM_001198679.3); c.999G>A, p.Met333Ile (NM_001395209.1); c.804G>A, p.Met268Ile (NM_175635.3, NM_175636.2); short protein forms M316I, M364I, M268I, M278I, M305I, M333I, M285I.
Identifiers: ClinVar variation 4998962 (VCV004998962.1).
Genomic context (GRCh38, chr8:91,991,715, plus strand): 5'-GTCCCTGAGGTCCCTGTGGCTGGGGTGTCGATAGGAGTCCCTGTAGTGGTGGGCAATGGC[C>T]ATATCATCCAAACGGTAATGCTGAGGTGGAGGTGGGGTAGGGTGAGGCAGGCCATTGGGC-3'
Protein context (NP_783552.1, residues 295-315): PPPQHYRLDD[Met305Ile]AIAHHYRDSY

ClinVar aggregate classification (germline): Uncertain significance (1 of 4 stars; one submission).

Conditions:
RUNX1T1-related disorder. Also called: RUNX1T1-related condition.

gnomAD v4.1: 1 of 1,614,060 alleles (0.000062%); highest among the groups gnomAD compares: Non-Finnish European, 0.000085%; no homozygotes.

Submission:

PreventionGenetics, part of Exact Sciences
Classification: Uncertain significance for RUNX1T1-related condition. Last evaluated: 2024-10-03. Review status: criteria provided, single submitter. Criteria: ACMG Guidelines, 2015. Collection method: clinical testing. Allele origin: germline.
Comment: The RUNX1T1 c.1092G>A variant is predicted to result in the amino acid substitution p.Met364Ile. To our knowledge, this variant has not been reported in the literature or in a large population database (gnomAD), indicating this variant is rare. At this time, the clinical significance of this variant is uncertain due to the absence of conclusive functional and genetic evidence.